The following is an entry in ClinVar:

ClinVar aggregate classification (germline): Uncertain significance (1 of 4 stars; one submission).

gnomAD v4.1: 3 of 1,613,522 alleles (0.00019%); highest among the groups gnomAD compares: Non-Finnish European, 0.00025%; no homozygotes.

Submission:

GeneDx
Classification: Uncertain significance. Last evaluated: 2022-11-18. Review status: criteria provided, single submitter. Criteria: GeneDx Variant Classification Process June 2021. Collection method: clinical testing. Allele origin: germline. Affected: yes.
Comment: Not observed at significant frequency in large population cohorts (gnomAD); In silico analysis supports that this missense variant has a deleterious effect on protein structure/function; Has not been previously published as pathogenic or benign to our knowledge

NM_021098.3(CACNA1H):c.4586C>G (p.Pro1529Arg)

Gene: CACNA1H (calcium voltage-gated channel subunit alpha1 H; plus strand). Cytogenetic location: 16p13.3.
Variant type: single nucleotide variant.
Coding change: c.4586C>G on transcript NM_021098.3 (MANE Select); coding-DNA position 4586, C replaced by G.
Protein change: p.Pro1529Arg; replaces proline 1529 with arginine.
Molecular consequence: missense variant.
Genome position (GRCh38, 1-based): chr16:1,211,965, C>G. VCF-style: chr16-1211965-C-G. GRCh37 (hg19) VCF-style: chr16-1261965-C-G.
Other names: c.4586C>G, p.Pro1529Arg (NM_001005407.2); short protein forms P1529R.
Identifiers: ClinVar variation 2502756 (VCV002502756.1), dbSNP rs1057522839, ClinGen allele CA394180605.